The following is an entry in ClinVar:

NM_014425.5(INVS):c.1177C>G (p.Pro393Ala)

Gene: INVS (inversin; plus strand). Cytogenetic location: 9q31.1.
Variant type: single nucleotide variant.
Coding change: c.1177C>G on transcript NM_014425.5 (MANE Select); coding-DNA position 1177, C replaced by G.
Protein change: p.Pro393Ala; replaces proline 393 with alanine.
Molecular consequence: missense variant. On other transcripts: non-coding transcript variant (1).
Genome position (GRCh38, 1-based): chr9:100,252,381, C>G. VCF-style: chr9-100252381-C-G. GRCh37 (hg19) VCF-style: chr9-103014663-C-G.
Other names: c.889C>G, p.Pro297Ala (NM_001318381.2); c.199C>G, p.Pro67Ala (NM_001318382.2); short protein forms P67A, P297A, P393A.
Identifiers: ClinVar variation 1047440 (VCV001047440.9), dbSNP rs1441776664, ClinGen allele CA374364462.

ClinVar aggregate classification (germline): Uncertain significance. Review status: criteria provided, multiple submitters, no conflicts (2 of 4 stars). 2 submissions from 2 submitters: Uncertain significance (2). Last evaluated 2025-09-09.

Conditions:
Nephronophthisis. Also called: Juvenile Nephronophthisis. Identifiers: Orphanet 655, MedGen C0687120, MONDO:0019005, HP:0000090.
Infantile nephronophthisis (NPHP2). Also called: Nephronophthisis 2, infantile; Nephronophthisis 2. Identifiers: Orphanet 655, Orphanet 93591, MedGen C1865872, MONDO:0011190, OMIM 602088.

Allele frequency attached by ClinVar (database versions not stated): gnomAD 0.00001; gnomAD exomes 0.00001; TOPMed 0.00001.
gnomAD v4.1: 21 of 1,613,908 alleles (0.0013%); highest among the groups gnomAD compares: Admixed American, 0.0017%; no homozygotes.

Submissions (2):

Labcorp Genetics (formerly Invitae), Labcorp
Classification: Uncertain significance for Nephronophthisis. Last evaluated: 2025-09-09. Review status: criteria provided, single submitter. Criteria: Invitae Variant Classification Sherloc (09022015). Collection method: clinical testing. Allele origin: germline.
Comment: This sequence change replaces proline, which is neutral and non-polar, with alanine, which is neutral and non-polar, at codon 393 of the INVS protein (p.Pro393Ala). This variant is present in population databases (no rsID available, gnomAD 0.0009%). This variant has not been reported in the literature in individuals affected with INVS-related conditions. ClinVar contains an entry for this variant (Variation ID: 1047440). An algorithm developed to predict the effect of missense changes on protein structure and function (PolyPhen-2) suggests that this variant is likely to be disruptive. In summary, the available evidence is currently insufficient to determine the role of this variant in disease. Therefore, it has been classified as a Variant of Uncertain Significance.

Fulgent Genetics
Classification: Uncertain significance for Infantile nephronophthisis. Last evaluated: 2024-04-20. Review status: criteria provided, single submitter. Criteria: ACMG Guidelines, 2015. Collection method: clinical testing. Allele origin: germline.